The following is an entry in ClinVar:

ClinVar aggregate classification (germline): Uncertain significance (1 of 4 stars; one submission).

Submission:

Labcorp Genetics (formerly Invitae), Labcorp
Classification: Uncertain significance. Last evaluated: 2025-05-13. Review status: criteria provided, single submitter. Criteria: Invitae Variant Classification Sherloc (09022015). Collection method: clinical testing. Allele origin: germline.
Comment: This sequence change replaces valine, which is neutral and non-polar, with leucine, which is neutral and non-polar, at codon 255 of the POLE protein (p.Val255Leu). This variant is not present in population databases (gnomAD no frequency). This variant has not been reported in the literature in individuals affected with POLE-related conditions. Invitae Evidence Modeling of protein sequence and biophysical properties (such as structural, functional, and spatial information, amino acid conservation, physicochemical variation, residue mobility, and thermodynamic stability) indicates that this missense variant is not expected to disrupt POLE protein function with a negative predictive value of 80%. In summary, the available evidence is currently insufficient to determine the role of this variant in disease. Therefore, it has been classified as a Variant of Uncertain Significance.

NM_006231.4(POLE):c.763G>T (p.Val255Leu)

Gene: POLE (DNA polymerase epsilon, catalytic subunit; minus strand). Cytogenetic location: 12q24.33.
Variant type: single nucleotide variant.
Coding change: c.763G>T on transcript NM_006231.4 (MANE Select); coding-DNA position 763, G replaced by T.
Protein change: p.Val255Leu; replaces valine 255 with leucine.
Molecular consequence: missense variant.
Genome position (GRCh38, 1-based): chr12:132,677,401, C>A on the plus strand (G>T on the coding strand, the complement: POLE is on the minus strand). VCF-style: chr12-132677401-C-A. GRCh37 (hg19) VCF-style: chr12-133253987-C-A.
Other names: short protein forms V255L.
Identifiers: ClinVar variation 4744484 (VCV004744484.1).
Genomic context (GRCh38, chr12:132,677,401, plus strand): 5'-AGGTAACACAAGCAAAACTTACAGGTCGTTCAACAAGGTCATCTCGGCGGGTGATTTCTA[C>A]CGGAAAAGCATTTCCTCGGTATCTGACATTGTACCAATGAGCCTGCAAAACACACAGTGT-3'
Protein context (NP_006222.2, residues 245-265): NVRYRGNAFP[Val255Leu]EITRRDDLVE